The following is an entry in ClinVar:

ClinVar aggregate classification (germline): Uncertain significance (1 of 4 stars; one submission).

Submission:

Labcorp Genetics (formerly Invitae), Labcorp
Classification: Uncertain significance. Last evaluated: 2024-11-11. Review status: criteria provided, single submitter. Criteria: Invitae Variant Classification Sherloc (09022015). Collection method: clinical testing. Allele origin: germline.
Comment: This sequence change replaces alanine, which is neutral and non-polar, with threonine, which is neutral and polar, at codon 881 of the CACNA1B protein (p.Ala881Thr). This variant is not present in population databases (gnomAD no frequency). This variant has not been reported in the literature in individuals affected with CACNA1B-related conditions. ClinVar contains an entry for this variant (Variation ID: 2014850). An algorithm developed to predict the effect of missense changes on protein structure and function (PolyPhen-2) suggests that this variant is likely to be tolerated. In summary, the available evidence is currently insufficient to determine the role of this variant in disease. Therefore, it has been classified as a Variant of Uncertain Significance.

NM_000718.4(CACNA1B):c.2641G>A (p.Ala881Thr)

Gene: CACNA1B (calcium voltage-gated channel subunit alpha1 B; plus strand). Cytogenetic location: 9q34.3.
Variant type: single nucleotide variant.
Coding change: c.2641G>A on transcript NM_000718.4 (MANE Select); coding-DNA position 2641, G replaced by A.
Protein change: p.Ala881Thr; replaces alanine 881 with threonine.
Molecular consequence: missense variant.
Genome position (GRCh38, 1-based): chr9:138,023,384, G>A. VCF-style: chr9-138023384-G-A. GRCh37 (hg19) VCF-style: chr9-140917836-G-A.
Other names: c.2641G>A, p.Ala881Thr (NM_001243812.2); short protein forms A881T.
Identifiers: ClinVar variation 2014850 (VCV002014850.4), dbSNP rs2539373878, ClinGen allele CA375809826.